The following is an entry in ClinVar:

ClinVar aggregate classification (germline): Pathogenic (1 of 4 stars; one submission).

Conditions:
Immunodeficiency 14 (IMD14A). Also called: IMMUNODEFICIENCY 14A WITH LYMPHOPROLIFERATION, AUTOSOMAL DOMINANT; p110-DELTA-ACTIVATING MUTATION CAUSING SENESCENT T CELLS, LYMPHADENOPATHY, AND IMMUNODEFICIENCY; ACTIVATED PI3K-DELTA SYNDROME 1; Activated PI3K Delta Syndrome Type 1 (APDS1). Identifiers: Orphanet 397596, Orphanet 693661, MedGen C5907821, MONDO:0014222, OMIM 615513.

Submission:

Labcorp Genetics (formerly Invitae), Labcorp
Classification: Pathogenic for Activated PI3K-delta syndrome. Last evaluated: 2025-06-17. Review status: criteria provided, single submitter. Criteria: Invitae Variant Classification Sherloc (09022015). Collection method: clinical testing. Allele origin: germline.
Comment: This sequence change creates a premature translational stop signal (p.Gln80Alafs*12) in the PIK3CD gene. It is expected to result in an absent or disrupted protein product. Loss-of-function variants in PIK3CD are known to be pathogenic (PMID: 30040974, 31073077). This variant is not present in population databases (gnomAD no frequency). This variant has not been reported in the literature in individuals affected with PIK3CD-related conditions. ClinVar contains an entry for this variant (Variation ID: 3722778). For these reasons, this variant has been classified as Pathogenic.

Literature cited by the submitters: PubMed 30040974; PubMed 31073077.

NM_005026.5(PIK3CD):c.236dup (p.Gln80fs)

Gene: PIK3CD (phosphatidylinositol-4,5-bisphosphate 3-kinase catalytic subunit delta; plus strand). Cytogenetic location: 1p36.22.
Variant type: Duplication.
Coding change: c.236dup on transcript NM_005026.5 (MANE Select); coding-DNA position 236, one base duplicated (A; older notation c.236dupA).
Protein change: p.Gln80fs; shifts the reading frame from glutamine 80.
Molecular consequence: frameshift variant.
Genome position (GRCh38, 1-based): chr1:9,715,635, A duplicated. VCF-style (leftmost placement, unchanged base first): chr1-9715634-C-CA. GRCh37 (hg19) VCF-style: chr1-9775692-C-CA.
Other names: c.236dup, p.Gln80fs (NM_001350234.2, NM_001350235.1); short protein forms Q80fs.
Identifiers: ClinVar variation 3722778 (VCV003722778.2).
Genomic context (GRCh38, chr1:9,715,634, plus strand): 5'-TTCCACATGCTCAGTGGCCCCGAGGCCTATGTGTTCACCTGCATCAACCAGACAGCGGAG[C>CA]AGCAAGAGCTGGAGGACGAGCAACGGCGTCTGTGTGACGTGCAGCCCTTCCTGCCCGTCC-3'